The following is an entry in ClinVar:

ClinVar aggregate classification (germline): Uncertain significance. Review status: criteria provided, multiple submitters, no conflicts (2 of 4 stars). 10 submissions from 8 submitters: Uncertain significance (10). Last evaluated 2025-11-10.

Conditions:
Hereditary cancer-predisposing syndrome. Also called: Hereditary Cancer Syndrome; Hereditary neoplastic syndrome; Tumor predisposition; Neoplastic Syndromes, Hereditary. Identifiers: Orphanet 140162, MedGen C0027672, MeSH D009386, MONDO:0015356.
Dilated cardiomyopathy 1GG (CMD1GG). Identifiers: Orphanet 154, MedGen C3150898, MONDO:0013339, OMIM 613642.
Mitochondrial complex II deficiency, nuclear type 1. Also called: SUCCINATE CoQ REDUCTASE DEFICIENCY. Identifiers: Orphanet 3208, MedGen C5700310, MONDO:0100294, OMIM 252011.
Pheochromocytoma/paraganglioma syndrome 5. Also called: Paragangliomas 5; SDHA-Related Hereditary Paraganglioma-Pheochromocytoma Syndrome. Identifiers: Orphanet 29072, MedGen C3279992, MONDO:0013602, OMIM 614165.
Hereditary pheochromocytoma and paraganglioma. Also called: Hereditary pheochromocytoma-paraganglioma; Hereditary Paraganglioma-Pheochromocytoma Syndromes; Hereditary paragangliomas and pheochromocytomas. Identifiers: Orphanet 29072, MedGen C4274332, MONDO:0017366.
Leigh syndrome (NULS). Also called: LEIGH SYNDROME, NUCLEAR; Leigh Disease; Subacute necrotizing encephalopathy; Necrotizing encephalopathy infantile subacute of Leigh; Leigh Syndrome (mtDNA deletion); Leigh's necrotizing encephalopathy. Identifiers: Orphanet 506, MedGen C2931891, MONDO:0009723, OMIM 256000.

Allele frequency attached by ClinVar (database versions not stated): gnomAD exomes below 0.00001 and 0.00001.
gnomAD v4.1: 8 of 1,614,146 alleles (0.0005%); highest among the groups gnomAD compares: East Asian, 0.0022%; no homozygotes.

Submissions (10):

Labcorp Genetics (formerly Invitae), Labcorp
Classification: Uncertain significance for Pheochromocytoma/paraganglioma syndrome 5; Mitochondrial complex II deficiency, nuclear type 1. Last evaluated: 2025-11-10. Review status: criteria provided, single submitter. Criteria: Invitae Variant Classification Sherloc (09022015). Collection method: clinical testing. Allele origin: germline.
Comment: This sequence change replaces arginine, which is basic and polar, with tryptophan, which is neutral and slightly polar, at codon 195 of the SDHA protein (p.Arg195Trp). This variant is present in population databases (no rsID available, gnomAD 0.006%). This variant has not been reported in the literature in individuals affected with SDHA-related conditions. ClinVar contains an entry for this variant (Variation ID: 855207). Invitae Evidence Modeling of protein sequence and biophysical properties (such as structural, functional, and spatial information, amino acid conservation, physicochemical variation, residue mobility, and thermodynamic stability) has been performed for this missense variant. However, the output from this modeling did not meet the statistical confidence thresholds required to predict the impact of this variant on SDHA protein function. Experimental studies have shown that this missense change does not substantially affect SDHA function (PMID: 28724664). In summary, the available evidence is currently insufficient to determine the role of this variant in disease. Therefore, it has been classified as a Variant of Uncertain Significance.

Dasa
Classification: Uncertain significance. Last evaluated: 2025-03-21. Review status: criteria provided, single submitter. Criteria: DASA Assertion Criteria. Collection method: clinical testing. Allele origin: germline.
Comment: NM_004168.4(SDHA):c.583C>T (p.Arg195Trp) is a missense variant that results in the substitution of arginine with tryptophan. This variant is rare in population databases. Computational prediction algorithms are consistent with a deleterious effect. The currently available literature and clinical evidence are not sufficient to establish a definitive association between this variant and the reported condition. Therefore, this variant is classified as a variant of uncertain significance.

Blueprint Genetics
Classification: Uncertain significance. Last evaluated: 2024-10-02. Review status: criteria provided, single submitter. Criteria: ACMG Guidelines, 2015. Collection method: clinical testing. Allele origin: germline.

Ambry Genetics
Classification: Uncertain significance for Hereditary cancer-predisposing syndrome. Last evaluated: 2024-08-27. Review status: criteria provided, single submitter. Criteria: Ambry Variant Classification Scheme 2023. Collection method: clinical testing. Allele origin: germline.
Comment: The p.R195W variant (also known as c.583C>T), located in coding exon 5 of the SDHA gene, results from a C to T substitution at nucleotide position 583. The arginine at codon 195 is replaced by tryptophan, an amino acid with dissimilar properties. This amino acid position is highly conserved in available vertebrate species. In addition, this alteration is predicted to be deleterious by in silico analysis. Based on the available evidence, the clinical significance of this variant remains unclear.

Women's Health and Genetics/Laboratory Corporation of America, LabCorp
Classification: Uncertain significance. Last evaluated: 2024-04-26. Review status: criteria provided, single submitter. Criteria: LabCorp Variant Classification Summary - May 2015. Collection method: clinical testing. Allele origin: germline.
Comment: Variant summary: SDHA c.583C>T (p.Arg195Trp) results in a non-conservative amino acid change located in the FAD-dependent oxidoreductase 2, FAD binding domain (IPR003953) of the encoded protein sequence. Five of five in-silico tools predict a damaging effect of the variant on protein function. The variant allele was found at a frequency of 4e-06 in 251436 control chromosomes. The available data on variant occurrences in the general population are insufficient to allow any conclusion about variant significance. To our knowledge, no occurrence of c.583C>T in individuals affected with Neurodegeneration With Ataxia And Late-Onset Optic Atrophy and no experimental evidence demonstrating its impact on protein function have been reported. ClinVar contains an entry for this variant (Variation ID: 855207). Based on the evidence outlined above, the variant was classified as uncertain significance.

Baylor Genetics
Classification: Uncertain significance for Dilated cardiomyopathy 1GG. Last evaluated: 2023-07-14. Review status: criteria provided, single submitter. Criteria: ACMG Guidelines, 2015. Collection method: clinical testing. Allele origin: unknown.

Mayo Clinic Laboratories, Mayo Clinic
Classification: Uncertain significance. Last evaluated: 2022-09-23. Review status: criteria provided, single submitter. Criteria: ACMG Guidelines, 2015. Collection method: clinical testing. Allele origin: germline. Observed: 1 variant allele.
Comment: PM2

Illumina Laboratory Services, Illumina
Classification: Uncertain significance for Hereditary Paraganglioma-Pheochromocytoma Syndromes. Last evaluated: 2018-01-13. Review status: criteria provided, single submitter. Criteria: ICSL Variant Classification Criteria 13 December 2019. Collection method: clinical testing. Allele origin: germline.

Illumina Laboratory Services, Illumina
Classification: Uncertain significance for Mitochondrial complex II deficiency, nuclear type 1. Last evaluated: 2018-01-13. Review status: criteria provided, single submitter. Criteria: ICSL Variant Classification Criteria 13 December 2019. Collection method: clinical testing. Allele origin: germline.

Illumina Laboratory Services, Illumina
Classification: Uncertain significance for Leigh syndrome. Last evaluated: 2018-01-13. Review status: criteria provided, single submitter. Criteria: ICSL Variant Classification Criteria 13 December 2019. Collection method: clinical testing. Allele origin: germline.

Literature cited by the submitters: PubMed 28724664 (cited by Labcorp Genetics (formerly Invitae), Labcorp).

NM_004168.4(SDHA):c.583C>T (p.Arg195Trp)

Gene: SDHA (succinate dehydrogenase complex flavoprotein subunit A; plus strand). Cytogenetic location: 5p15.33.
Variant type: single nucleotide variant.
Coding change: c.583C>T on transcript NM_004168.4 (MANE Select); coding-DNA position 583, C replaced by T.
Protein change: p.Arg195Trp; replaces arginine 195 with tryptophan.
Molecular consequence: missense variant.
Genome position (GRCh38, 1-based): chr5:226,009, C>T. VCF-style: chr5-226009-C-T. GRCh37 (hg19) VCF-style: chr5-226124-C-T.
Other names: p.Arg195Trp; c.439C>T, p.Arg147Trp (NM_001294332.2); c.583C>T, p.Arg195Trp (NM_001330758.2); short protein forms R195W, R147W.
Identifiers: ClinVar variation 855207 (VCV000855207.20), dbSNP rs1337777456, ClinGen allele CA359010542.